The following is an entry in ClinVar:

NC_000005.9:g.(?_45396574)_(45462129_?)dup

Gene: HCN1 (hyperpolarization activated cyclic nucleotide gated potassium channel 1; minus strand). Cytogenetic location: 5p12.
Variant type: Duplication.
Identifiers: ClinVar variation 3246312 (VCV003246312.1).

ClinVar aggregate classification (germline): Uncertain significance (1 of 4 stars; one submission).

Conditions:
Developmental and epileptic encephalopathy. Identifiers: MedGen C5779964, MONDO:0100620.

Submission:

Labcorp Genetics (formerly Invitae), Labcorp
Classification: Uncertain significance for Early-infantile DEE. Last evaluated: 2023-08-04. Review status: criteria provided, single submitter. Criteria: Invitae Variant Classification Sherloc (09022015). Collection method: clinical testing. Allele origin: unknown.
Comment: This variant results in a copy number gain of the genomic region encompassing exon(s) 3-4 of the HCN1 gene. While the exact position of this variant cannot be determined from the data, sub-genic copy number gains are generally in tandem (PMID: 25640679). This variant is predicted to be in-frame, and likely preserves the integrity of the reading frame. This variant has not been reported in the literature in individuals affected with HCN1-related conditions. Experimental studies and prediction algorithms are not available or were not evaluated, and the functional significance of this variant is currently unknown. In summary, the available evidence is currently insufficient to determine the role of this variant in disease. Therefore, it has been classified as a Variant of Uncertain Significance.

Literature cited by the submitters: PubMed 25640679.